The following is an entry in ClinVar:

ClinVar aggregate classification (germline): Uncertain significance (1 of 4 stars; one submission).

Conditions:
Progressive microcephaly-seizures-cortical blindness-developmental delay syndrome. Also called: Seizures, cortical blindness, and microcephaly syndrome. Identifiers: Orphanet 477814, MedGen C5567650, MONDO:0014714, OMIM 616632.
Autosomal dominant nonsyndromic hearing loss 1. Also called: KONIGSMARK SYNDROME; DEAFNESS, AUTOSOMAL DOMINANT 1, WITH OR WITHOUT THROMBOCYTOPENIA. Identifiers: Orphanet 90635, MedGen C1852282, MONDO:0007424, OMIM 124900.

Allele frequency attached by ClinVar (database versions not stated): TOPMed below 0.00001; gnomAD 0.00001.
gnomAD v4.1: 1 of 1,613,922 alleles (0.000062%); highest among the groups gnomAD compares: Non-Finnish European, 0.000085%; no homozygotes.

Submission:

Labcorp Genetics (formerly Invitae), Labcorp
Classification: Uncertain significance for Progressive microcephaly-seizures-cortical blindness-developmental delay syndrome; Autosomal dominant nonsyndromic hearing loss 1. Last evaluated: 2024-05-15. Review status: criteria provided, single submitter. Criteria: Invitae Variant Classification Sherloc (09022015). Collection method: clinical testing. Allele origin: germline.
Comment: This sequence change replaces aspartic acid, which is acidic and polar, with histidine, which is basic and polar, at codon 357 of the DIAPH1 protein (p.Asp357His). This variant is not present in population databases (gnomAD no frequency). This variant has not been reported in the literature in individuals affected with DIAPH1-related conditions. Experimental studies and prediction algorithms are not available or were not evaluated, and the functional significance of this variant is currently unknown. In summary, the available evidence is currently insufficient to determine the role of this variant in disease. Therefore, it has been classified as a Variant of Uncertain Significance.

NM_005219.5(DIAPH1):c.1069G>C (p.Asp357His)

Gene: DIAPH1 (diaphanous related formin 1; minus strand). Cytogenetic location: 5q31.3.
Variant type: single nucleotide variant.
Coding change: c.1069G>C on transcript NM_005219.5 (MANE Select); coding-DNA position 1069, G replaced by C.
Protein change: p.Asp357His; replaces aspartic acid 357 with histidine.
Molecular consequence: missense variant.
Genome position (GRCh38, 1-based): chr5:141,578,319, C>G on the plus strand (G>C on the coding strand, the complement: DIAPH1 is on the minus strand). VCF-style: chr5-141578319-C-G. GRCh37 (hg19) VCF-style: chr5-140957886-C-G.
Other names: c.1042G>C, p.Asp348His (NM_001079812.3); c.1069G>C, p.Asp357His (NM_001314007.2); short protein forms D357H, D348H.
Identifiers: ClinVar variation 2948692 (VCV002948692.3), dbSNP rs1024157604, ClinGen allele CA128439781.